The following is an entry in ClinVar:

ClinVar aggregate classification (germline): Conflicting classifications of pathogenicity. Review status: criteria provided, conflicting classifications (1 of 4 stars). 3 submissions from 3 submitters: Uncertain significance (1); Likely benign (2). Last evaluated 2025-09-15.

Conditions:
Familial meningioma. Also called: Meningioma, familial, susceptibility to. Identifiers: Orphanet 263662, MedGen C3551915, MONDO:0011789, OMIM 607174.

Allele frequency attached by ClinVar (database versions not stated): TOPMed below 0.00001; gnomAD 0.00001 and 0.00003; ExAC 0.00003; gnomAD exomes 0.00003 and 0.00004; 1000 Genomes Project 30x 0.00016; 1000 Genomes Project 0.00020.

Submissions (3):

Labcorp Genetics (formerly Invitae), Labcorp
Classification: Likely benign for Familial meningioma. Last evaluated: 2025-09-15. Review status: criteria provided, single submitter. Criteria: Invitae Variant Classification Sherloc (09022015). Collection method: clinical testing. Allele origin: germline.

GeneDx
Classification: Uncertain significance. Last evaluated: 2023-08-02. Review status: criteria provided, single submitter. Criteria: GeneDx Variant Classification Process June 2021. Collection method: clinical testing. Allele origin: germline.
Comment: Has not been previously published as pathogenic or benign to our knowledge; In silico analysis supports that this variant does not alter splicing

Blueprint Genetics
Classification: Likely benign. Last evaluated: 2023-03-23. Review status: criteria provided, single submitter. Criteria: ACMG Guidelines, 2015. Collection method: clinical testing. Allele origin: germline.

NM_003079.5(SMARCE1):c.238-12T>C

Gene: SMARCE1 (SWI/SNF related BAF chromatin remodeling complex subunit E1; minus strand). Cytogenetic location: 17q21.2.
Variant type: single nucleotide variant.
Coding change: c.238-12T>C on transcript NM_003079.5 (MANE Select); 12 bases into the intron before coding-DNA position 238, T replaced by C.
Molecular consequence: intron variant.
Genome position (GRCh38, 1-based): chr17:40,636,538, A>G on the plus strand (T>C on the coding strand, the complement: SMARCE1 is on the minus strand). VCF-style: chr17-40636538-A-G. GRCh37 (hg19) VCF-style: chr17-38792790-A-G.
Identifiers: ClinVar variation 1644816 (VCV001644816.10), dbSNP rs529233633, ClinGen allele CA8545275.
Genomic context (GRCh38, chr17:40,636,538, plus strand): 5'-TCTCCCACAACTTTAGGTCAGGGTTGGAAGCCTTTACTTGGTCCCAGACCTTAAAAAGAA[A>G]ACAGATGAAATGTTAATACTGATGTCTAAACGTATAGACCTTTAAAAATAGTTTTTAATG-3'